The following is an entry in ClinVar:

NM_004168.4(SDHA):c.562C>T (p.Arg188Trp)

Gene: SDHA (succinate dehydrogenase complex flavoprotein subunit A; plus strand). Cytogenetic location: 5p15.33.
Variant type: single nucleotide variant.
Coding change: c.562C>T on transcript NM_004168.4 (MANE Select); coding-DNA position 562, C replaced by T.
Protein change: p.Arg188Trp; replaces arginine 188 with tryptophan.
Molecular consequence: missense variant.
Genome position (GRCh38, 1-based): chr5:225,988, C>T. VCF-style: chr5-225988-C-T. GRCh37 (hg19) VCF-style: chr5-226103-C-T.
Other names: c.418C>T, p.Arg140Trp (NM_001294332.2); c.562C>T, p.Arg188Trp (NM_001330758.2); short protein forms R188W, R140W.
Identifiers: ClinVar variation 472395 (VCV000472395.22), dbSNP rs553257776, ClinGen allele CA3172879.
Genomic context (GRCh38, chr5:225,988, plus strand): 5'-ATTTATCAGCGTGCATTTGGTGGACAGAGCCTCAAGTTTGGAAAGGGCGGGCAGGCCCAT[C>T]GGTGCTGCTGTGTGGCTGATCGGACTGGCCACTCGCTATTGCACACCTTATATGGAAGGG-3'
Protein context (NP_004159.2, residues 178-198): LKFGKGGQAH[Arg188Trp]CCCVADRTGH

ClinVar aggregate classification (germline): Conflicting classifications of pathogenicity. Review status: criteria provided, conflicting classifications (1 of 4 stars). 6 submissions from 6 submitters: Likely pathogenic (4); Uncertain significance (2). Last evaluated 2026-08-06.
ClinVar aggregate classification (oncogenicity): Likely oncogenic (1 of 4 stars; one submission).

Conditions:
SDHA-related disorder. Also called: SDHA-related condition; SDHA-related disorders.
Pheochromocytoma/paraganglioma syndrome 5. Also called: Paragangliomas 5; SDHA-Related Hereditary Paraganglioma-Pheochromocytoma Syndrome. Identifiers: Orphanet 29072, MedGen C3279992, MONDO:0013602, OMIM 614165.
Mitochondrial complex II deficiency, nuclear type 1. Also called: SUCCINATE CoQ REDUCTASE DEFICIENCY. Identifiers: Orphanet 3208, MedGen C5700310, MONDO:0100294, OMIM 252011.
Hereditary cancer-predisposing syndrome. Also called: Neoplastic Syndromes, Hereditary; Hereditary Cancer Syndrome; Tumor predisposition; Hereditary neoplastic syndrome. Identifiers: Orphanet 140162, MedGen C0027672, MeSH D009386, MONDO:0015356.
Neoplasm. Also called: Neoplasms; Neoplasm (disease); tumor. Identifiers: MedGen C0027651, MeSH D009369, MONDO:0005070, HP:0002664.

Allele frequency attached by ClinVar (database versions not stated): gnomAD exomes below 0.00001; TOPMed below 0.00001; gnomAD 0.00001; 1000 Genomes Project 30x 0.00016; 1000 Genomes Project 0.00020.

Submissions (7):

PreventionGenetics, part of Exact Sciences
Classification: Likely pathogenic for SDHA-related condition. Last evaluated: 2026-08-06. Review status: criteria provided, single submitter. Criteria: ACMG Guidelines, 2015. Collection method: clinical testing. Allele origin: germline.
Comment: The SDHA c.562C>T variant is predicted to result in the amino acid substitution p.Arg188Trp. This variant has been reported in the literature in individuals with paraganglioma and/or gastrointestinal stromal tumor (Miettinen et al. 2013. PubMed ID: 23282968; Ma et al. 2020. PubMed ID: 33362715). In vitro functional studies suggest this variant impairs SDHA activity (Bannon et al. 2017. PubMed ID: 28724664; Kent et al. 2024. PubMed ID: 39321216). Additionally, an alternate missense change impacting the same amino acid (p.Arg188Gln) has been reported in individuals with paraganglioma (Table S2, Greenberg et al. 2020. PubMed ID: 32741965; Table S1, Kaplan et al. 2024. PubMed ID: 39133175). This variant is reported in 0.0040% of alleles in individuals of African descent in gnomAD, and has conflicting classifications in the ClinVar database ranging from uncertain to likely pathogenic (Variation ID: 472395). Taken together, the c.562C>T (p.Arg188Trp) variant is interpreted as likely pathogenic.

Labcorp Genetics (formerly Invitae), Labcorp
Classification: Likely pathogenic for Pheochromocytoma/paraganglioma syndrome 5; Mitochondrial complex II deficiency, nuclear type 1. Last evaluated: 2025-09-04. Review status: criteria provided, single submitter. Criteria: Invitae Variant Classification Sherloc (09022015). Collection method: clinical testing. Allele origin: germline.
Comment: This sequence change replaces arginine, which is basic and polar, with tryptophan, which is neutral and slightly polar, at codon 188 of the SDHA protein (p.Arg188Trp). This variant is present in population databases (rs553257776, gnomAD 0.004%). This missense change has been observed in individuals with gastrointestinal stromal tumor and/or paragangliomas (PMID: 23282968, 33362715; internal data). ClinVar contains an entry for this variant (Variation ID: 472395). Invitae Evidence Modeling of protein sequence and biophysical properties (such as structural, functional, and spatial information, amino acid conservation, physicochemical variation, residue mobility, and thermodynamic stability) has been performed for this missense variant. However, the output from this modeling did not meet the statistical confidence thresholds required to predict the impact of this variant on SDHA protein function. Experimental studies have shown that this missense change affects SDHA function (PMID: 28724664). This variant disrupts the p.Arg188 amino acid residue in SDHA. Other variant(s) that disrupt this residue have been determined to be pathogenic (PMID: 32741965; external communication). This suggests that this residue is clinically significant, and that variants that disrupt this residue are likely to be disease-causing. In summary, the currently available evidence indicates that the variant is pathogenic, but additional data are needed to prove that conclusively. Therefore, this variant has been classified as Likely Pathogenic.

Ambry Genetics
Classification: Likely pathogenic for Hereditary cancer-predisposing syndrome. Last evaluated: 2025-06-26. Review status: criteria provided, single submitter. Criteria: Ambry Variant Classification Scheme 2023. Collection method: clinical testing. Allele origin: germline.
Comment: The p.R188W variant (also known as c.562C>T), located in coding exon 5 of the SDHA gene, results from a C to T substitution at nucleotide position 562. The arginine at codon 188 is replaced by tryptophan, an amino acid with dissimilar properties. This variant has been reported in individuals with a paraganglioma or gastrointestinal stromal tumor (Miettinen M et al, 2013 Feb;37:234-40; Ma X et al. Front Endocrinol (Lausanne), 2020 Dec;11:574662). Functional studies in yeast demonstrated that this variant impairs SDHA activity (Bannon AE et al. Clin Cancer Res, 2017 Nov;23:6733-6743). This amino acid position is highly conserved in available vertebrate species. In addition, this alteration is predicted to be deleterious by in silico analysis. Based on the majority of available evidence to date, this variant is likely to be pathogenic.

Center for Genomic Medicine, Rigshospitalet, Copenhagen University Hospital
Classification: Likely oncogenic for Neoplasm. Last evaluated: 2025-03-04. Review status: criteria provided, single submitter. Criteria: ClinGen/CGC/VICC Guidelines for Oncogenicity, 2022. Collection method: clinical testing. Allele origin: somatic. Affected: yes.

Revvity Omics, Revvity
Classification: Uncertain significance. Last evaluated: 2024-12-03. Review status: criteria provided, single submitter. Criteria: ACMG Guidelines, 2015. Collection method: clinical testing. Allele origin: germline.

Molecular Pathology, Peter Maccallum Cancer Centre
Classification: Uncertain significance for Pheochromocytoma/paraganglioma syndrome 5. Last evaluated: 2024-04-10. Review status: criteria provided, single submitter. Criteria: ACMG Guidelines, 2015. Collection method: clinical testing. Allele origin: germline. Inheritance: Autosomal dominant inheritance.

Myriad Genetics, Inc.
Classification: Likely pathogenic for Pheochromocytoma/paraganglioma syndrome 5. Last evaluated: 2023-09-28. Review status: criteria provided, single submitter. Criteria: Myriad Autosomal Dominant, Autosomal Recessive and X-Linked Classification Criteria (2023). Collection method: clinical testing. Allele origin: unknown.
Comment: This variant is considered likely pathogenic. This variant has been reported in multiple individuals with clinical features of gene-specific disease [PMID: 33362715, 23282968, 32741965, Myriad internal data]. This variant is expected to disrupt protein structure [Myriad internal data].

Literature cited by the submitters: PubMed 23282968 (cited by 4 submitters); PubMed 33362715 (cited by 4 submitters); PubMed 28724664 (cited by 3 submitters); PubMed 32741965 (cited by Labcorp Genetics (formerly Invitae), Labcorp and Myriad Genetics, Inc.); PubMed 23730622 (cited by Ambry Genetics); PubMed 23833252 (cited by Ambry Genetics); PubMed 25394176 (cited by Ambry Genetics).